The following is an entry in ClinVar:

NM_152564.5(VPS13B):c.5647C>T (p.Pro1883Ser)

Gene: VPS13B (vacuolar protein sorting 13 homolog B; plus strand). Cytogenetic location: 8q22.2.
Variant type: single nucleotide variant.
Coding change: c.5647C>T on transcript NM_152564.5 (MANE Select); coding-DNA position 5647, C replaced by T.
Protein change: p.Pro1883Ser; replaces proline 1883 with serine.
Molecular consequence: missense variant.
Genome position (GRCh38, 1-based): chr8:99,642,237, C>T. VCF-style: chr8-99642237-C-T. GRCh37 (hg19) VCF-style: chr8-100654465-C-T.
Other names: c.5722C>T, p.Pro1908Ser (NM_017890.5); short protein forms P1883S, P1908S.
Identifiers: ClinVar variation 2118141 (VCV002118141.4), dbSNP rs2491207874, ClinGen allele CA371873017.
Genomic context (GRCh38, chr8:99,642,237, plus strand): 5'-AACCAGGCATGTATTTCCACGGTGACAGCAGAAGATCTCTTAAGGAGCAGCATTTCTTTT[C>T]CTTCAGGGAAAAAAATAGGGGTCCTCTCTCTTGAAAGTCTTCATGCATCCACAAGGTCAT-3'
Protein context (NP_689777.3, residues 1873-1893): EDLLRSSISF[Pro1883Ser]SGKKIGVLSL

ClinVar aggregate classification (germline): Uncertain significance (1 of 4 stars; one submission).

Conditions:
Cohen syndrome (COH1). Also called: Cutis verticis gyrata, retinitis pigmentosa, and sensorineural deafness; PEPPER SYNDROME. Identifiers: Orphanet 193, MedGen C0265223, MONDO:0008999, OMIM 216550.

Submission:

Labcorp Genetics (formerly Invitae), Labcorp
Classification: Uncertain significance for Cohen syndrome. Last evaluated: 2022-07-09. Review status: criteria provided, single submitter. Criteria: Invitae Variant Classification Sherloc (09022015). Collection method: clinical testing. Allele origin: germline.
Comment: This sequence change replaces proline, which is neutral and non-polar, with serine, which is neutral and polar, at codon 1908 of the VPS13B protein (p.Pro1908Ser). This variant is not present in population databases (gnomAD no frequency). This variant has not been reported in the literature in individuals affected with VPS13B-related conditions. Algorithms developed to predict the effect of missense changes on protein structure and function output the following: SIFT: "Not Available"; PolyPhen-2: "Benign"; Align-GVGD: "Not Available". The serine amino acid residue is found in multiple mammalian species, which suggests that this missense change does not adversely affect protein function. In summary, the available evidence is currently insufficient to determine the role of this variant in disease. Therefore, it has been classified as a Variant of Uncertain Significance.